The following is an entry in ClinVar:

ClinVar aggregate classification (germline): Conflicting classifications of pathogenicity. Review status: criteria provided, conflicting classifications (1 of 4 stars). 2 submissions from 2 submitters: Uncertain significance (1); Likely benign (1). Last evaluated 2025-02-01.

Allele frequency attached by ClinVar (database versions not stated): ExAC 0.00004; 1000 Genomes Project 0.00020.

Submissions (2):

CeGaT Center for Human Genetics Tuebingen
Classification: Likely benign. Last evaluated: 2025-02-01. Review status: criteria provided, single submitter. Criteria: CeGaT Center For Human Genetics Tuebingen Variant Classification Criteria Version 2. Collection method: clinical testing. Allele origin: germline. Affected: yes. Observed: 1 variant allele.
Comment: PRB3: BP4, BS2

Ambry Genetics
Classification: Uncertain significance. Last evaluated: 2024-04-22. Review status: criteria provided, single submitter. Criteria: Ambry Variant Classification Scheme 2023. Collection method: clinical testing. Allele origin: germline.

NM_001394862.1(PRB3):c.494C>A (p.Pro165Gln)

Gene: PRB3 (proline rich protein BstNI subfamily 3; minus strand). Cytogenetic location: 12p13.2.
Variant type: single nucleotide variant.
Coding change: c.494C>A on transcript NM_001394862.1 (MANE Select); coding-DNA position 494, C replaced by A.
Protein change: p.Pro165Gln; replaces proline 165 with glutamine.
Molecular consequence: missense variant.
Genome position (GRCh38, 1-based): chr12:11,267,755, G>T on the plus strand (C>A on the coding strand, the complement: PRB3 is on the minus strand). VCF-style: chr12-11267755-G-T. GRCh37 (hg19) VCF-style: chr12-11420689-G-T.
Other names: c.494C>A, p.Pro165Gln (NM_006249.5); short protein forms P165Q.
Identifiers: ClinVar variation 2344206 (VCV002344206.16), dbSNP rs199658095, ClinGen allele CA6452152.